The following is an entry in ClinVar:

ClinVar aggregate classification (germline): Uncertain significance (0 of 4 stars; one submission).

Conditions:
Prostate cancer. Also called: Malignant tumor of prostate. Identifiers: Orphanet 1331, MedGen C0376358, MONDO:0008315, HP:0012125.

Submission:

Science for Life laboratory,  Karolinska Institutet
Classification: Uncertain significance for Malignant tumor of prostate. Review status: no assertion criteria provided. Collection method: not provided. Allele origin: somatic.
Comment: TumorID:SWE-92A
ClinVar note: Converted during submission from Unknown to Uncertain significance.

NM_006121.4(KRT1):c.757G>T (p.Asp253Tyr)

Gene: KRT1 (keratin 1; minus strand). Cytogenetic location: 12q13.13.
Variant type: single nucleotide variant.
Coding change: c.757G>T on transcript NM_006121.4 (MANE Select); coding-DNA position 757, G replaced by T.
Protein change: p.Asp253Tyr; replaces aspartic acid 253 with tyrosine.
Molecular consequence: missense variant.
Genome position (GRCh38, 1-based): chr12:52,678,591, C>A on the plus strand (G>T on the coding strand, the complement: KRT1 is on the minus strand). VCF-style: chr12-52678591-C-A. GRCh37 (hg19) VCF-style: chr12-53072375-C-A.
Other names: short protein forms D253Y.
Identifiers: ClinVar variation 161644 (VCV000161644.2), dbSNP rs193921116, ClinGen allele CA174518.
Genomic context (GRCh38, chr12:52,678,591, plus strand): 5'-GGGTCCCTTACTTGTTCCGGTAATCCTCCACCATGTCCTGCATGTTCTTCAGTTCCGAAT[C>A]CAACCGAGATTGATCACTCTTCAGTTGGTCCACTCTCCTTCGGAGATTGTTGATGAATGA-3'
Protein context (NP_006112.3, residues 243-263): DQLKSDQSRL[Asp253Tyr]SELKNMQDMV